The following is an entry in ClinVar:

NM_001042492.3(NF1):c.3690G>A (p.Val1230=)

Gene: NF1 (neurofibromin 1; plus strand). Cytogenetic location: 17q11.2.
Variant type: single nucleotide variant.
Coding change: c.3690G>A on transcript NM_001042492.3 (MANE Select); coding-DNA position 3690, G replaced by A.
Protein change: p.Val1230=; no amino-acid change (valine 1230 retained).
Molecular consequence: synonymous variant.
Genome position (GRCh38, 1-based): chr17:31,233,195, G>A. VCF-style: chr17-31233195-G-A. GRCh37 (hg19) VCF-style: chr17-29560213-G-A.
Other names: c.3690G>A, p.Val1230= (NM_000267.4).
Identifiers: ClinVar variation 186368 (VCV000186368.11), dbSNP rs183296277, ClinGen allele CA194631.

ClinVar aggregate classification (germline): Likely benign. Review status: criteria provided, multiple submitters, no conflicts (2 of 4 stars). 4 submissions from 4 submitters: Likely benign (4). Last evaluated 2026-01-16.

Conditions:
Hereditary cancer-predisposing syndrome. Also called: Hereditary Cancer Syndrome; Neoplastic Syndromes, Hereditary; Tumor predisposition; Hereditary neoplastic syndrome. Identifiers: Orphanet 140162, MedGen C0027672, MeSH D009386, MONDO:0015356.
Neurofibromatosis, type 1 (NF1). Also called: NEUROFIBROMATOSIS, TYPE I, SOMATIC; VON RECKLINGHAUSEN DISEASE; Peripheral type neurofibromatosis; Neurofibromatosis, type I. Identifiers: Orphanet 636, MedGen C0027831, MONDO:0018975, OMIM 162200. Disease mechanism: loss of function.

gnomAD v4.1: 9 of 1,614,148 alleles (0.00056%); highest among the groups gnomAD compares: Non-Finnish European, 0.00076%; no homozygotes.

Submissions (4):

Labcorp Genetics (formerly Invitae), Labcorp
Classification: Likely benign for Neurofibromatosis, type 1. Last evaluated: 2026-01-16. Review status: criteria provided, single submitter. Criteria: Invitae Variant Classification Sherloc (09022015). Collection method: clinical testing. Allele origin: germline.

Women's Health and Genetics/Laboratory Corporation of America, LabCorp
Classification: Likely benign. Last evaluated: 2025-10-07. Review status: criteria provided, single submitter. Criteria: LabCorp Variant Classification Summary - May 2015. Collection method: clinical testing. Allele origin: germline.

GeneDx
Classification: Likely benign. Last evaluated: 2016-06-06. Review status: criteria provided, single submitter. Criteria: GeneDx Variant Classification (06012015). Collection method: clinical testing. Allele origin: germline. Affected: yes.
Comment: This variant is considered likely benign or benign based on one or more of the following criteria: it is a conservative change, it occurs at a poorly conserved position in the protein, it is predicted to be benign by multiple in silico algorithms, and/or has population frequency not consistent with disease.

Ambry Genetics
Classification: Likely benign for Hereditary cancer-predisposing syndrome. Last evaluated: 2014-09-26. Review status: criteria provided, single submitter. Criteria: Ambry Autosomal Dominant and X-Linked criteria (10/2015). Collection method: clinical testing. Allele origin: germline. Observed: 1 variant allele.